The following is an entry in ClinVar:

ClinVar aggregate classification (germline): Uncertain significance (1 of 4 stars; one submission).

Conditions:
Cataract 6 multiple types. Also called: CATARACT 6, POSTERIOR POLAR; CATARACT 6, CONGENITAL TOTAL; CATARACT, AGE-RELATED CORTICAL, 2. Identifiers: Orphanet 91492, MedGen C1861825, MONDO:0007288, OMIM 116600.

Submission:

Labcorp Genetics (formerly Invitae), Labcorp
Classification: Uncertain significance for Cataract 6 multiple types. Last evaluated: 2025-05-30. Review status: criteria provided, single submitter. Criteria: Invitae Variant Classification Sherloc (09022015). Collection method: clinical testing. Allele origin: germline.
Comment: This sequence change replaces proline, which is neutral and non-polar, with serine, which is neutral and polar, at codon 329 of the EPHA2 protein (p.Pro329Ser). This variant is not present in population databases (gnomAD no frequency). This variant has not been reported in the literature in individuals affected with EPHA2-related conditions. Invitae Evidence Modeling of protein sequence and biophysical properties (such as structural, functional, and spatial information, amino acid conservation, physicochemical variation, residue mobility, and thermodynamic stability) indicates that this missense variant is expected to disrupt EPHA2 protein function with a positive predictive value of 80%. In summary, the available evidence is currently insufficient to determine the role of this variant in disease. Therefore, it has been classified as a Variant of Uncertain Significance.

NM_004431.5(EPHA2):c.985C>T (p.Pro329Ser)

Gene: EPHA2 (EPH receptor A2; minus strand). Cytogenetic location: 1p36.13.
Variant type: single nucleotide variant.
Coding change: c.985C>T on transcript NM_004431.5 (MANE Select); coding-DNA position 985, C replaced by T.
Protein change: p.Pro329Ser; replaces proline 329 with serine.
Molecular consequence: missense variant.
Genome position (GRCh38, 1-based): chr1:16,138,180, G>A on the plus strand (C>T on the coding strand, the complement: EPHA2 is on the minus strand). VCF-style: chr1-16138180-G-A. GRCh37 (hg19) VCF-style: chr1-16464675-G-A.
Other names: c.823C>T, p.Pro275Ser (NM_001329090.2); short protein forms P275S, P329S.
Identifiers: ClinVar variation 4724350 (VCV004724350.1).